The following is an entry in ClinVar:

ClinVar aggregate classification (germline): Pathogenic/Likely pathogenic. Review status: criteria provided, multiple submitters, no conflicts (2 of 4 stars). 3 submissions from 3 submitters: Pathogenic (2); Likely pathogenic (1). Last evaluated 2026-05-07.

Conditions:
ABCB4-related disorder. Also called: ABCB4-related disorders; ABCB4-related condition.
Familial intrahepatic cholestasis. Identifiers: Orphanet 284385, MedGen CN296401, MONDO:0017290.

Allele frequency attached by ClinVar (database versions not stated): gnomAD exomes below 0.00001.
gnomAD v4.1: 3 of 1,575,490 alleles (0.00019%); highest among the groups gnomAD compares: Non-Finnish European, 0.00026%; no homozygotes.

Submissions (3):

PreventionGenetics, part of Exact Sciences
Classification: Pathogenic for ABCB4-related condition. Last evaluated: 2026-05-07. Review status: criteria provided, single submitter. Criteria: ACMG Guidelines, 2015. Collection method: clinical testing. Allele origin: germline.
Comment: The ABCB4 c.2783+1G>T variant is predicted to disrupt the GT donor site and interfere with normal splicing. This variant has been reported in the compound heterozygous state in an individual with intrahepatic cholestasis (Table S3C, Neřoldová et al. 2023. PubMed ID: 37471416). An alternate nucleotide substitution at the same position (c.2783+1G>C) has been reported in the homozygous state in individuals with cholestasis (Schatz et al. 2018. PubMed ID: 29761167; patient 14 of Table S3 in Dröge et al. 2017. PubMed ID: 28733223). Loss of function variants upstream and downstream of this variant have been reported in patients with ABCB4-related disease (Human Gene Mutation Database). This variant has not been reported in a large population database (gnomAD), indicating this variant is rare. Variants that disrupt the consensus splice donor site in ABCB4 are expected to be pathogenic. This variant is interpreted as pathogenic.

Genomenon, Inc
Classification: Pathogenic for Familial intrahepatic cholestasis. Last evaluated: 2026-04-14. Review status: criteria provided, single submitter. Criteria: Genomenon Sequence Variant Interpretation Standards - Updated. Collection method: curation. Allele origin: germline. Affected: yes.
Comment: ABCB4 c.2783+1G>T is a canonical splice variant affecting the donor splice site of intron 22. It is predicted to affect mRNA splicing, leading to a deleterious effect on the ABCB4 protein. This variant has been observed in at least one proband with an ABCB4-related disorder (PMID:37471416). It is absent or not present at a significant frequency in gnomAD. In conclusion, we classify ABCB4 c.2783+1G>T as a pathogenic variant.

Labcorp Genetics (formerly Invitae), Labcorp
Classification: Likely pathogenic. Last evaluated: 2023-12-17. Review status: criteria provided, single submitter. Criteria: Invitae Variant Classification Sherloc (09022015). Collection method: clinical testing. Allele origin: germline.
Comment: This sequence change affects a donor splice site in intron 22 of the ABCB4 gene. It is expected to disrupt RNA splicing. Variants that disrupt the donor or acceptor splice site typically lead to a loss of protein function (PMID: 16199547), and loss-of-function variants in ABCB4 are known to be pathogenic (PMID: 17726488, 25755532). This variant is not present in population databases (gnomAD no frequency). Disruption of this splice site has been observed in individual(s) with progressive familial intrahepatic cholestasis type 3 (PMID: 29761167). Algorithms developed to predict the effect of sequence changes on RNA splicing suggest that this variant may disrupt the consensus splice site. In summary, the currently available evidence indicates that the variant is pathogenic, but additional data are needed to prove that conclusively. Therefore, this variant has been classified as Likely Pathogenic.

Literature cited by the submitters: PubMed 37471416 (cited by Genomenon, Inc); PubMed 16199547 (cited by Labcorp Genetics (formerly Invitae), Labcorp); PubMed 17726488 (cited by Labcorp Genetics (formerly Invitae), Labcorp); PubMed 25755532 (cited by Labcorp Genetics (formerly Invitae), Labcorp); PubMed 29761167 (cited by Labcorp Genetics (formerly Invitae), Labcorp).

NM_000443.4(ABCB4):c.2783+1G>T

Gene: ABCB4 (ATP binding cassette subfamily B member 4; minus strand). Cytogenetic location: 7q21.12.
Variant type: single nucleotide variant.
Coding change: c.2783+1G>T on transcript NM_000443.4 (MANE Select); the canonical splice donor site of the intron after coding-DNA position 2783, G replaced by T.
Molecular consequence: splice donor variant.
Genome position (GRCh38, 1-based): chr7:87,413,616, C>A on the plus strand (G>T on the coding strand, the complement: ABCB4 is on the minus strand). VCF-style: chr7-87413616-C-A. GRCh37 (hg19) VCF-style: chr7-87042932-C-A.
Other names: c.2783+1G>T (NM_018850.3, NM_018849.3, NM_000443.3).
Identifiers: ClinVar variation 2792511 (VCV002792511.5), dbSNP rs2546763615, ClinGen allele CA368060766.
Genomic context (GRCh38, chr7:87,413,616, plus strand): 5'-GGACAATAATTCAGCCTTAGGAAAGCACTAGGTTCTTAGCAGGAATCATATGGTTCATTA[C>A]CTGTAAGGTCCATACAATTTTTCAACATACATTGATTCAAATTTTCTTTCCTGGGTCAAA-3'